The following is an entry in ClinVar:

NM_000264.5(PTCH1):c.361C>T (p.Leu121Phe)

Gene: PTCH1 (patched 1; minus strand). Cytogenetic location: 9q22.32.
Variant type: single nucleotide variant.
Coding change: c.361C>T on transcript NM_000264.5 (MANE Select); coding-DNA position 361, C replaced by T.
Protein change: p.Leu121Phe; replaces leucine 121 with phenylalanine.
Molecular consequence: missense variant. On other transcripts: 5 prime UTR variant (4), non-coding transcript variant (1).
Genome position (GRCh38, 1-based): chr9:95,506,440, G>A on the plus strand (C>T on the coding strand, the complement: PTCH1 is on the minus strand). VCF-style: chr9-95506440-G-A. GRCh37 (hg19) VCF-style: chr9-98268722-G-A.
Other names: c.163C>T, p.Leu55Phe (NM_001083602.3, NM_001354919.2); c.358C>T, p.Leu120Phe (NM_001083603.3); c.-93C>T (NM_001083604.3, NM_001083605.3, NM_001083606.3 and 1 more transcripts); c.361C>T, p.Leu121Phe (NM_001354918.2); short protein forms L121F, L55F, L120F.
Identifiers: ClinVar variation 453857 (VCV000453857.12), dbSNP rs776424978, ClinGen allele CA374120200.

ClinVar aggregate classification (germline): Conflicting classifications of pathogenicity. Review status: criteria provided, conflicting classifications (1 of 4 stars). 3 submissions from 3 submitters: Uncertain significance (2); Benign (1). Last evaluated 2025-05-20.

Conditions:
Hereditary cancer-predisposing syndrome. Also called: Tumor predisposition; Hereditary Cancer Syndrome; Neoplastic Syndromes, Hereditary; Hereditary neoplastic syndrome. Identifiers: Orphanet 140162, MedGen C0027672, MeSH D009386, MONDO:0015356.
Gorlin syndrome. Also called: Basal cell nevus syndrome; Nevoid Basal Cell Carcinoma Syndrome. Identifiers: Orphanet 377, MedGen C0004779, MONDO:0007187.

Allele frequency attached by ClinVar (database versions not stated): TOPMed 0.00001.
gnomAD v4.1: 2 of 1,612,596 alleles (0.00012%); highest among the groups gnomAD compares: East Asian, 0.0022%; no homozygotes.

Submissions (3):

ARUP Laboratories, Molecular Genetics and Genomics, ARUP Laboratories
Classification: Uncertain significance. Last evaluated: 2025-05-20. Review status: criteria provided, single submitter. Criteria: ARUP Molecular Germline Variant Investigation Process 2024. Collection method: clinical testing. Allele origin: germline.
Comment: The PTCH1 c.361C>T; p.Leu121Phe variant (rs776424978), to our knowledge, is not reported in the medical literature but is reported in ClinVar (Variation ID: 453857). This variant is only observed on one allele in the Genome Aggregation Database (v2.1.1), indicating it is not a common polymorphism. Computational analyses are uncertain whether this variant is neutral or deleterious (REVEL: 0.426). Due to limited information, the clinical significance of this variant is uncertain at this time.

Ambry Genetics
Classification: Uncertain significance for Hereditary cancer-predisposing syndrome. Last evaluated: 2024-02-25. Review status: criteria provided, single submitter. Criteria: Ambry Variant Classification Scheme 2023. Collection method: clinical testing. Allele origin: germline.
Comment: The p.L121F variant (also known as c.361C>T), located in coding exon 2 of the PTCH1 gene, results from a C to T substitution at nucleotide position 361. The leucine at codon 121 is replaced by phenylalanine, an amino acid with highly similar properties. This amino acid position is highly conserved in available vertebrate species. In addition, the in silico prediction for this alteration is inconclusive. Since supporting evidence is limited at this time, the clinical significance of this alteration remains unclear.

Labcorp Genetics (formerly Invitae), Labcorp
Classification: Benign for Gorlin syndrome. Last evaluated: 2022-12-06. Review status: criteria provided, single submitter. Criteria: Invitae Variant Classification Sherloc (09022015). Collection method: clinical testing. Allele origin: germline.